The following is an entry in ClinVar:

ClinVar aggregate classification (germline): Uncertain significance. Review status: criteria provided, multiple submitters, no conflicts (2 of 4 stars). 2 submissions from 2 submitters: Uncertain significance (2). Last evaluated 2025-03-20.

Conditions:
Hereditary cancer-predisposing syndrome. Also called: Neoplastic Syndromes, Hereditary; Tumor predisposition; Hereditary Cancer Syndrome; Hereditary neoplastic syndrome. Identifiers: Orphanet 140162, MedGen C0027672, MeSH D009386, MONDO:0015356.
Neuroblastoma, susceptibility to, 3. Also called: ALK-Related Neuroblastic Tumor Susceptibility. Identifiers: Orphanet 635, MedGen C2751681, MONDO:0013083, OMIM 613014.

Submissions (2):

Ambry Genetics
Classification: Uncertain significance for Hereditary cancer-predisposing syndrome. Last evaluated: 2025-03-20. Review status: criteria provided, single submitter. Criteria: Ambry Variant Classification Scheme 2023. Collection method: clinical testing. Allele origin: germline.
Comment: The p.S1611N variant (also known as c.4832G>A), located in coding exon 29 of the ALK gene, results from a G to A substitution at nucleotide position 4832. The serine at codon 1611 is replaced by asparagine, an amino acid with highly similar properties. This amino acid position is conserved. In addition, this alteration is predicted to be tolerated by in silico analysis. Since supporting evidence is limited at this time, the clinical significance of this alteration remains unclear.

Labcorp Genetics (formerly Invitae), Labcorp
Classification: Uncertain significance for Neuroblastoma, susceptibility to, 3. Last evaluated: 2022-09-01. Review status: criteria provided, single submitter. Criteria: Invitae Variant Classification Sherloc (09022015). Collection method: clinical testing. Allele origin: germline.
Comment: This variant has not been reported in the literature in individuals affected with ALK-related conditions. In summary, the available evidence is currently insufficient to determine the role of this variant in disease. Therefore, it has been classified as a Variant of Uncertain Significance. Algorithms developed to predict the effect of missense changes on protein structure and function output the following: SIFT: "Tolerated"; PolyPhen-2: "Benign"; Align-GVGD: "Class C0". The asparagine amino acid residue is found in multiple mammalian species, which suggests that this missense change does not adversely affect protein function. This variant is not present in population databases (gnomAD no frequency). This sequence change replaces serine, which is neutral and polar, with asparagine, which is neutral and polar, at codon 1611 of the ALK protein (p.Ser1611Asn).

NM_004304.5(ALK):c.4832G>A (p.Ser1611Asn)

Gene: ALK (ALK receptor tyrosine kinase; minus strand). Cytogenetic location: 2p23.2.
Variant type: single nucleotide variant.
Coding change: c.4832G>A on transcript NM_004304.5 (MANE Select); coding-DNA position 4832, G replaced by A.
Protein change: p.Ser1611Asn; replaces serine 1611 with asparagine.
Molecular consequence: missense variant.
Genome position (GRCh38, 1-based): chr2:29,193,255, C>T on the plus strand (G>A on the coding strand, the complement: ALK is on the minus strand). VCF-style: chr2-29193255-C-T. GRCh37 (hg19) VCF-style: chr2-29416121-C-T.
Other names: c.1628G>A, p.Ser543Asn (NM_001353765.2); short protein forms S1611N, S543N.
Identifiers: ClinVar variation 1743445 (VCV001743445.9), dbSNP rs1668918898, ClinGen allele CA346460073.